The following is an entry in ClinVar:

ClinVar aggregate classification (germline): Uncertain significance (1 of 4 stars; one submission).

Submission:

CeGaT Center for Human Genetics Tuebingen
Classification: Uncertain significance. Last evaluated: 2022-05-01. Review status: criteria provided, single submitter. Criteria: CeGaT Center For Human Genetics Tuebingen Variant Classification Criteria Version 2. Collection method: clinical testing. Allele origin: germline. Affected: yes. Observed: 1 variant allele.
Comment: ANKRD11: PM2, BP4

NM_013275.6(ANKRD11):c.4934T>G (p.Leu1645Arg)

Gene: ANKRD11 (ankyrin repeat domain 11; minus strand). Cytogenetic location: 16q24.3.
Variant type: single nucleotide variant.
Coding change: c.4934T>G on transcript NM_013275.6 (MANE Select); coding-DNA position 4934, T replaced by G.
Protein change: p.Leu1645Arg; replaces leucine 1645 with arginine.
Molecular consequence: missense variant.
Genome position (GRCh38, 1-based): chr16:89,281,608, A>C on the plus strand (T>G on the coding strand, the complement: ANKRD11 is on the minus strand). VCF-style: chr16-89281608-A-C. GRCh37 (hg19) VCF-style: chr16-89348016-A-C.
Other names: c.4934T>G, p.Leu1645Arg (NM_001256182.2, NM_001256183.2); short protein forms L1645R.
Identifiers: ClinVar variation 1694807 (VCV001694807.31), dbSNP rs773754621, ClinGen allele CA397156330.
Genomic context (GRCh38, chr16:89,281,608, plus strand): 5'-TCCGCGGCAGGTGGAATAGGAGTCGACTCTTTGAGCTTTTTGTCTTTAAATGGAGGGTCC[A>C]GCCCCGGCGGTTTCTTAGCAGGAATGTCCAGACCCTTCTTCCGCCCGTCGTCTGCCGGCT-3'
Protein context (NP_037407.4, residues 1635-1655): LDIPAKKPPG[Leu1645Arg]DPPFKDKKLK